The following is an entry in ClinVar:

NM_133433.4(NIPBL):c.4090G>A (p.Gly1364Ser)

Gene: NIPBL (NIPBL cohesin loading factor; plus strand). Cytogenetic location: 5p13.2.
Variant type: single nucleotide variant.
Coding change: c.4090G>A on transcript NM_133433.4 (MANE Select); coding-DNA position 4090, G replaced by A.
Protein change: p.Gly1364Ser; replaces glycine 1364 with serine.
Molecular consequence: missense variant.
Genome position (GRCh38, 1-based): chr5:37,007,325, G>A. VCF-style: chr5-37007325-G-A. GRCh37 (hg19) VCF-style: chr5-37007427-G-A.
Other names: c.4090G>A, p.Gly1364Ser (NM_001438586.1, NM_015384.5); short protein forms G1364S.
Identifiers: ClinVar variation 5020430 (VCV005020430.1).

ClinVar aggregate classification (germline): Uncertain significance (1 of 4 stars; one submission).

gnomAD v4.1: 5 of 1,610,722 alleles (0.00031%); highest among the groups gnomAD compares: South Asian, 0.0033%; no homozygotes.

Submission:

Dasa
Classification: Uncertain significance. Last evaluated: 2026-06-05. Review status: criteria provided, single submitter. Criteria: DASA Assertion Criteria. Collection method: clinical testing. Allele origin: germline.
Comment: NM_133433.4(NIPBL):c.4090G>A (p.Gly1364Ser) is a missense variant that results in the substitution of glycine with serine. This variant is rare in population databases. Computational prediction algorithms are consistent with a benign effect. The currently available literature and clinical evidence are not sufficient to establish a definitive association between this variant and the reported condition. Therefore, this variant is classified as a variant of uncertain significance.